The following is an entry in ClinVar:

NM_032482.3(DOT1L):c.3461_3462del (p.Pro1154fs)

Gene: DOT1L (DOT1 like histone lysine methyltransferase; plus strand). Cytogenetic location: 19p13.3.
Variant type: Deletion.
Coding change: c.3461_3462del on transcript NM_032482.3 (MANE Select); coding-DNA positions 3461 to 3462, 2 bases deleted (CT; older notation c.3461_3462delCT).
Protein change: p.Pro1154fs; shifts the reading frame from proline 1154.
Molecular consequence: frameshift variant.
Genome position (GRCh38, 1-based): chr19:2,223,351-2,223,352, CT deleted. VCF-style (leftmost placement, unchanged base first): chr19-2223350-CCT-C. GRCh37 (hg19) VCF-style: chr19-2223349-CCT-C.
Other names: c.3461_3462del, p.Pro1154fs (NM_001411141.1); short protein forms P1154fs.
Identifiers: ClinVar variation 4855060 (VCV004855060.1).

ClinVar aggregate classification (germline): Uncertain significance (1 of 4 stars; one submission).

Conditions:
DOT1L-related disorder.

Submission:

3billion
Classification: Uncertain significance for DOT1L-related disorder. Last evaluated: 2025-12-10. Review status: criteria provided, single submitter. Criteria: ACMG Guidelines, 2015. Collection method: clinical testing. Allele origin: germline. Affected: yes.
Comment: The variant is not observed in the gnomAD v4.1.0 dataset. Predicted Consequence/Location: Frameshift variant Therefore, this variant is classified as VUS according to the recommendation of ACMG/AMP guideline.